The following is an entry in ClinVar:

ClinVar aggregate classification (germline): Benign. Review status: criteria provided, single submitter (1 of 4 stars). 2 submissions from 2 submitters: Benign (1). 1 of the submissions does not count toward it. Last evaluated 2025-07-27.

Conditions:
MTOR-related disorder. Also called: MTOR-related condition.

Allele frequency attached by ClinVar (database versions not stated): gnomAD 0.00011 and 0.00013; gnomAD exomes 0.00015 and 0.00031; TOPMed 0.00022; ExAC 0.00035.

Submissions (2):

Labcorp Genetics (formerly Invitae), Labcorp
Classification: Benign. Last evaluated: 2025-07-27. Review status: criteria provided, single submitter. Criteria: Invitae Variant Classification Sherloc (09022015). Collection method: clinical testing. Allele origin: germline.

PreventionGenetics, part of Exact Sciences
Classification: Benign for MTOR-related condition. Last evaluated: 2019-12-18. Review status: no assertion criteria provided. Collection method: clinical testing. Allele origin: germline. Not counted in ClinVar's aggregate classification.
Comment: This variant is classified as benign based on ACMG/AMP sequence variant interpretation guidelines (Richards et al. 2015 PMID: 25741868, with internal and published modifications).

NM_004958.4(MTOR):c.3401C>T (p.Ala1134Val)

Gene: MTOR (mechanistic target of rapamycin kinase; minus strand). Cytogenetic location: 1p36.22.
Variant type: single nucleotide variant.
Coding change: c.3401C>T on transcript NM_004958.4 (MANE Select); coding-DNA position 3401, C replaced by T.
Protein change: p.Ala1134Val; replaces alanine 1134 with valine.
Molecular consequence: missense variant.
Genome position (GRCh38, 1-based): chr1:11,212,472, G>A on the plus strand (C>T on the coding strand, the complement: MTOR is on the minus strand). VCF-style: chr1-11212472-G-A. GRCh37 (hg19) VCF-style: chr1-11272529-G-A.
Other names: short protein forms A1134V.
Identifiers: ClinVar variation 703170 (VCV000703170.13), dbSNP rs28730685, ClinGen allele CA590227.
Genomic context (GRCh38, chr1:11,212,472, plus strand): 5'-CGGGAGGCATAGTCAGTGAAATCCAGGGACTCCGTCAGGCGGTCCACAGTCTCTAGCGCT[G>A]CCCTACAACAATCACTAACATACAGTAACTGCTAACATACAATCTCCAAGGAAGAGACGT-3'
Protein context (NP_004949.1, residues 1124-1144): APEAPLPSRK[Ala1134Val]ALETVDRLTE